The following is an entry in ClinVar:

NM_006767.4(LZTR1):c.1767_1768delinsTT (p.Gln590Ter)

Gene: LZTR1 (leucine zipper like post translational regulator 1; plus strand). Cytogenetic location: 22q11.21.
Variant type: Indel.
Coding change: c.1767_1768delinsTT on transcript NM_006767.4 (MANE Select); coding-DNA positions 1767 to 1768, GC replaced by TT.
Protein change: p.Gln590Ter; replaces glutamine 590 with a stop codon.
Molecular consequence: nonsense.
Genome position (GRCh38, 1-based): chr22:20,994,709-20,994,710, GC replaced by TT. VCF-style: chr22-20994709-GC-TT. GRCh37 (hg19) VCF-style: chr22-21348998-GC-TT.
Other names: c.1767_1768delGCinsTT (NM_006767.3); short protein forms Q590*.
Identifiers: ClinVar variation 2172881 (VCV002172881.5), dbSNP rs2518622030, ClinGen allele CA2580099225.

ClinVar aggregate classification (germline): Pathogenic. Review status: criteria provided, multiple submitters, no conflicts (2 of 4 stars). 2 submissions from 2 submitters: Pathogenic (2). Last evaluated 2026-06-25.

Conditions:
Hereditary cancer-predisposing syndrome. Also called: Tumor predisposition; Hereditary Cancer Syndrome; Hereditary neoplastic syndrome; Neoplastic Syndromes, Hereditary. Identifiers: Orphanet 140162, MedGen C0027672, MeSH D009386, MONDO:0015356.
Cardiovascular phenotype. Identifiers: MedGen CN230736.

Submissions (2):

Ambry Genetics
Classification: Pathogenic for Cardiovascular phenotype; Hereditary cancer-predisposing syndrome. Last evaluated: 2026-06-25. Review status: criteria provided, single submitter. Criteria: Ambry Variant Classification Scheme 2023. Collection method: clinical testing. Allele origin: germline.
Comment: The c.1767_1768delGCinsTT pathogenic mutation, located in coding exon 15 of the LZTR1 gene, results from an in-frame deletion of GC and insertion of TT at nucleotide positions 1767 to 1768. This changes the amino acid from a glutamine to a stop codon within coding exon 15 (p.Q590*). This variant is expected to result in loss of function by premature protein truncation or nonsense-mediated mRNA decay. Loss-of-function variants in LZTR1 are related to an increased risk for schwannomas and autosomal recessive Noonan syndrome; however, such associations with autosomal dominant Noonan syndrome have not been observed (Piotrowski A et al. Nat Genet. 2014 Feb;46:182-7; Yamamoto GL et al. J Med Genet. 2015 Jun;52:413-21; Johnston JJ et al. Genet Med. 2018 10;20:1175-1185). Based on the supporting evidence, this variant is pathogenic for an increased risk of LZTR1-related schwannomatosis (SWN) and would be expected to cause autosomal recessive Noonan syndrome when present along with a second pathogenic or likely pathogenic variant on the other allele; however, the association of this variant with autosomal dominant Noonan syndrome is unlikely.

Labcorp Genetics (formerly Invitae), Labcorp
Classification: Pathogenic. Last evaluated: 2022-05-29. Review status: criteria provided, single submitter. Criteria: Invitae Variant Classification Sherloc (09022015). Collection method: clinical testing. Allele origin: germline.
Comment: Information on the frequency of this variant in the gnomAD database is not available, as this variant may be reported differently in the database. This sequence change creates a premature translational stop signal (p.Gln590*) in the LZTR1 gene. It is expected to result in an absent or disrupted protein product. Loss-of-function variants in LZTR1 are known to be pathogenic (PMID: 24362817, 25335493, 25480913, 25795793, 29469822, 30442762, 30442766, 30481304, 30859559). This variant has not been reported in the literature in individuals affected with LZTR1-related conditions. For these reasons, this variant has been classified as Pathogenic.

Literature cited by the submitters: PubMed 24362817 (cited by Labcorp Genetics (formerly Invitae), Labcorp); PubMed 25335493 (cited by Labcorp Genetics (formerly Invitae), Labcorp); PubMed 25480913 (cited by Labcorp Genetics (formerly Invitae), Labcorp); PubMed 25795793 (cited by Labcorp Genetics (formerly Invitae), Labcorp); PubMed 29469822 (cited by Labcorp Genetics (formerly Invitae), Labcorp); PubMed 30442762 (cited by Labcorp Genetics (formerly Invitae), Labcorp); PubMed 30442766 (cited by Labcorp Genetics (formerly Invitae), Labcorp); PubMed 30481304 (cited by Labcorp Genetics (formerly Invitae), Labcorp); PubMed 30859559 (cited by Labcorp Genetics (formerly Invitae), Labcorp).